The following is an entry in ClinVar:

ClinVar aggregate classification (germline): Benign/Likely benign. Review status: criteria provided, multiple submitters, no conflicts (2 of 4 stars). 8 submissions from 8 submitters: Benign (1); Likely benign (7). Last evaluated 2026-07-01.

Conditions:
Inborn genetic diseases. Identifiers: MedGen C0950123, MeSH D030342.
Charcot-Marie-Tooth disease type 4. Also called: Charcot-Marie-Tooth, Type 4; Charcot-Marie-Tooth disease, type IV. Identifiers: Orphanet 64749, MedGen C4082197, MONDO:0018995.
Charcot-Marie-Tooth disease. Also called: Charcot-Marie-Tooth Hereditary Neuropathy; Charcot-Marie-Tooth Neuropathy. Identifiers: Orphanet 166, MedGen C0007959, MONDO:0015626.

Allele frequency attached by ClinVar (database versions not stated): 1000 Genomes Project 30x 0.00016; TOPMed 0.00042; ESP Exome Variant Server 0.00047; gnomAD exomes 0.00048 and 0.00059; ExAC 0.00101; 1000 Genomes Project 0.00020; gnomAD 0.00036 and 0.00037.
gnomAD v4.1: 903 of 1,585,618 alleles (0.057%); highest among the groups gnomAD compares: Non-Finnish European, 0.071%; 2 homozygotes.

Submissions (8):

CeGaT Center for Human Genetics Tuebingen
Classification: Likely benign. Last evaluated: 2026-07-01. Review status: criteria provided, single submitter. Criteria: CeGaT Center For Human Genetics Tuebingen Variant Classification Criteria Version 2. Collection method: clinical testing. Allele origin: germline. Affected: yes. Observed: 2 variant alleles.
Comment: PRX: BP4, BP7

Labcorp Genetics (formerly Invitae), Labcorp
Classification: Likely benign for Charcot-Marie-Tooth disease type 4. Last evaluated: 2026-01-28. Review status: criteria provided, single submitter. Criteria: Invitae Variant Classification Sherloc (09022015). Collection method: clinical testing. Allele origin: germline.

Mayo Clinic Laboratories, Mayo Clinic
Classification: Likely benign. Last evaluated: 2025-10-21. Review status: criteria provided, single submitter. Criteria: ACMG Guidelines, 2015. Collection method: clinical testing. Allele origin: germline. Observed: 4 variant alleles.
Comment: BP4, BP7

Blueprint Genetics
Classification: Likely benign. Last evaluated: 2024-10-17. Review status: criteria provided, single submitter. Criteria: ACMG Guidelines, 2015. Collection method: clinical testing. Allele origin: germline.

Athena Diagnostics
Classification: Benign. Last evaluated: 2024-04-26. Review status: criteria provided, single submitter. Criteria: Athena Diagnostics Criteria. Collection method: clinical testing. Allele origin: unknown.

Ambry Genetics
Classification: Likely benign for Inborn genetic diseases. Last evaluated: 2019-07-11. Review status: criteria provided, single submitter. Criteria: Ambry Variant Classification Scheme 2023. Collection method: clinical testing. Allele origin: germline.

GeneDx
Classification: Likely benign. Last evaluated: 2019-02-07. Review status: criteria provided, single submitter. Criteria: GeneDx Variant Classification Process June 2021. Collection method: clinical testing. Allele origin: germline. Affected: yes.

Molecular Genetics Laboratory, London Health Sciences Centre
Classification: Likely benign for Charcot-Marie-Tooth disease. Review status: criteria provided, single submitter. Criteria: ACMG Guidelines, 2015. Collection method: clinical testing. Allele origin: germline. Affected: yes.

Literature cited by the submitters: PubMed 26392352 (cited by Athena Diagnostics).

NM_181882.3(PRX):c.540G>A (p.Pro180=)

Gene: PRX (periaxin; minus strand). Cytogenetic location: 19q13.2.
Variant type: single nucleotide variant.
Coding change: c.540G>A on transcript NM_181882.3 (MANE Select); coding-DNA position 540, G replaced by A.
Protein change: p.Pro180=; no amino-acid change (proline 180 retained).
Molecular consequence: synonymous variant. On other transcripts: 3 prime UTR variant (1).
Genome position (GRCh38, 1-based): chr19:40,397,812, C>T on the plus strand (G>A on the coding strand, the complement: PRX is on the minus strand). VCF-style: chr19-40397812-C-T. GRCh37 (hg19) VCF-style: chr19-40903719-C-T.
Other names: p.Pro180=; c.*745G>A (NM_020956.2).
Identifiers: ClinVar variation 379671 (VCV000379671.27), dbSNP rs371243093, ClinGen allele CA9444434.
Genomic context (GRCh38, chr19:40,397,812, plus strand): 5'-TTCGGCCACTTCTCGTACACGCAGCCGAGGCAGCTGGAGGCGCCGGCGGGCAGGGGCAGC[C>T]GGGACAGGACCCTTGACAGCCTCGGCTTTGAGGCCCCGACGCAGGCGGGAGAACTTGGGA-3'
Protein context (NP_870998.2, residues 170-190): LKAEAVKGPV[Pro180=]AAPARRRLQL